The following is an entry in ClinVar:

NM_172107.4(KCNQ2):c.1940G>A (p.Arg647Gln)

Gene: KCNQ2 (potassium voltage-gated channel subfamily Q member 2; minus strand). Cytogenetic location: 20q13.33.
Variant type: single nucleotide variant.
Coding change: c.1940G>A on transcript NM_172107.4 (MANE Select); coding-DNA position 1940, G replaced by A.
Protein change: p.Arg647Gln; replaces arginine 647 with glutamine.
Molecular consequence: missense variant.
Genome position (GRCh38, 1-based): chr20:63,407,323, C>T on the plus strand (G>A on the coding strand, the complement: KCNQ2 is on the minus strand). VCF-style: chr20-63407323-C-T. GRCh37 (hg19) VCF-style: chr20-62038676-C-T.
Other names: c.1856G>A, p.Arg619Gln (NM_004518.6); c.1886G>A, p.Arg629Gln (NM_172106.3); c.1847G>A, p.Arg616Gln (NM_172108.5); short protein forms R647Q, R616Q, R619Q, R629Q.
Identifiers: ClinVar variation 501056 (VCV000501056.19), dbSNP rs765583552, ClinGen allele CA9958194.

ClinVar aggregate classification (germline): Uncertain significance. Review status: criteria provided, multiple submitters, no conflicts (2 of 4 stars). 3 submissions from 3 submitters: Uncertain significance (3). Last evaluated 2026-09-01.

Conditions:
Early-infantile DEE. Also called: Early infantile epileptic encephalopathy; Early infantile epileptic encephalopathy with suppression bursts; Ohtahara syndrome. Identifiers: Orphanet 1934, MedGen C0393706, MONDO:0800491.

Allele frequency attached by ClinVar (database versions not stated): TOPMed 0.00002; ExAC 0.00004; gnomAD exomes 0.00004.
gnomAD v4.1: 63 of 1,596,904 alleles (0.0039%); highest among the groups gnomAD compares: South Asian, 0.0077%; no homozygotes.

Submissions (3):

CeGaT Center for Human Genetics Tuebingen
Classification: Uncertain significance. Last evaluated: 2026-09-01. Review status: criteria provided, single submitter. Criteria: CeGaT Center For Human Genetics Tuebingen Variant Classification Criteria Version 2. Collection method: clinical testing. Allele origin: germline. Affected: yes. Observed: 2 variant alleles.

Labcorp Genetics (formerly Invitae), Labcorp
Classification: Uncertain significance for Early-infantile DEE. Last evaluated: 2025-04-21. Review status: criteria provided, single submitter. Criteria: Invitae Variant Classification Sherloc (09022015). Collection method: clinical testing. Allele origin: germline.
Comment: This sequence change replaces arginine, which is basic and polar, with glutamine, which is neutral and polar, at codon 647 of the KCNQ2 protein (p.Arg647Gln). This variant is present in population databases (rs765583552, gnomAD 0.01%). This variant has not been reported in the literature in individuals affected with KCNQ2-related conditions. ClinVar contains an entry for this variant (Variation ID: 501056). Invitae Evidence Modeling of protein sequence and biophysical properties (such as structural, functional, and spatial information, amino acid conservation, physicochemical variation, residue mobility, and thermodynamic stability) indicates that this missense variant is expected to disrupt KCNQ2 protein function with a positive predictive value of 95%. In summary, the available evidence is currently insufficient to determine the role of this variant in disease. Therefore, it has been classified as a Variant of Uncertain Significance.

Eurofins Ntd Llc (ga)
Classification: Uncertain significance. Last evaluated: 2017-04-05. Review status: criteria provided, single submitter. Criteria: EGL Classification Definitions 2015. Collection method: clinical testing. Allele origin: germline. Observed: 1 variant allele, 1 heterozygote.